The following is an entry in ClinVar:

ClinVar aggregate classification (germline): Pathogenic (0 of 4 stars; one submission).

Conditions:
TH-deficient dopa-responsive dystonia. Also called: Tyrosine Hydroxylase-Deficient Dopa-Responsive Dystonia; Segawa syndrome, autosomal recessive; DYT-TH. Identifiers: Orphanet 101150, MedGen C2673535, MONDO:0011551, OMIM 605407.

Submission:

Medical Genetics Laboratory, AJA University of Medical Sciences
Classification: Pathogenic for TH-deficient dopa-responsive dystonia. Last evaluated: 2024-04-22. Review status: no assertion criteria provided. Collection method: clinical testing. Allele origin: germline. Inheritance: Autosomal recessive inheritance. Affected: yes. Observed: 1 homozygote.
Comment: The NM_000360.4 c.91_113del, is a frameshift,splice_region variant in TH that causes a frameshift, splice region change involving the alteration of a conserved nucleotide (PVS1). The variant was absent in control chromosomes in GnomAD project (PM2).

NM_000360.4(TH):c.91_113del

Gene: TH (tyrosine hydroxylase; minus strand). Cytogenetic location: 11p15.5.
Variant type: Deletion.
Coding change: c.91_113del on transcript NM_000360.4 (MANE Select); coding-DNA positions 91 to 113, 23 bases deleted (TCCCCGCGGTTCATTGGGCGCAG).
Molecular consequence: splice acceptor variant.
Genome position (GRCh38, 1-based): chr11:2,169,849-2,169,871, CTGCGCCCAATGAACCGCGGGGA deleted on the plus strand (TCCCCGCGGTTCATTGGGCGCAG on the coding strand, the reverse complement: TH is on the minus strand); deleting any 23 consecutive bases within chr11:2,169,849-2,169,874 gives the same sequence; the c. name uses the placement nearest the transcript's 3' end. VCF-style (leftmost placement, unchanged base first): chr11-2169848-CCTGCGCCCAATGAACCGCGGGGA-C. GRCh37 (hg19) VCF-style: chr11-2191078-CCTGCGCCCAATGAACCGCGGGGA-C.
Identifiers: ClinVar variation 3602636 (VCV003602636.2).